The following is an entry in ClinVar:

ClinVar aggregate classification (germline): Uncertain significance (1 of 4 stars; one submission).

Conditions:
Alstrom syndrome (ALMS). Identifiers: Orphanet 64, MedGen C0268425, MONDO:0008763, OMIM 203800.

Submission:

Labcorp Genetics (formerly Invitae), Labcorp
Classification: Uncertain significance for Alstrom syndrome. Last evaluated: 2022-08-15. Review status: criteria provided, single submitter. Criteria: Invitae Variant Classification Sherloc (09022015). Collection method: clinical testing. Allele origin: germline.
Comment: In summary, the available evidence is currently insufficient to determine the role of this variant in disease. Therefore, it has been classified as a Variant of Uncertain Significance. Experimental studies and prediction algorithms are not available or were not evaluated, and the functional significance of this variant is currently unknown. This variant has not been reported in the literature in individuals affected with ALMS1-related conditions. This variant is a gross deletion of the genomic region encompassing exon(s) 14-15 of the ALMS1 gene. This variant would be expected to be in-frame, preserving the integrity of the reading frame.

NC_000002.11:g.(?_73784327)_(73786289_?)del

Gene: ALMS1 (ALMS1 centrosome and basal body associated protein; plus strand). Cytogenetic location: 2p13.1.
Variant type: Deletion.
Identifiers: ClinVar variation 1433670 (VCV001433670.5).